The following is an entry in ClinVar:

ClinVar aggregate classification (germline): Uncertain significance (1 of 4 stars; one submission).

Conditions:
Aortic aneurysm, familial thoracic 4 (AAT4). Also called: AORTIC ANEURYSM/AORTIC DISSECTION AND PATENT DUCTUS ARTERIOSUS. Identifiers: MedGen C1851504, MONDO:0007568, OMIM 132900.

Submission:

Labcorp Genetics (formerly Invitae), Labcorp
Classification: Uncertain significance for Aortic aneurysm, familial thoracic 4. Last evaluated: 2023-12-11. Review status: criteria provided, single submitter. Criteria: Invitae Variant Classification Sherloc (09022015). Collection method: clinical testing. Allele origin: germline.
Comment: This sequence change replaces aspartic acid, which is acidic and polar, with glycine, which is neutral and non-polar, at codon 1567 of the MYH11 protein (p.Asp1567Gly). This variant is not present in population databases (gnomAD no frequency). This variant has not been reported in the literature in individuals affected with MYH11-related conditions. Advanced modeling of protein sequence and biophysical properties (such as structural, functional, and spatial information, amino acid conservation, physicochemical variation, residue mobility, and thermodynamic stability) performed at Invitae indicates that this missense variant is not expected to disrupt MYH11 protein function with a negative predictive value of 95%. In summary, the available evidence is currently insufficient to determine the role of this variant in disease. Therefore, it has been classified as a Variant of Uncertain Significance.

NM_002474.3(MYH11):c.4679A>G (p.Asp1560Gly)

Genes: MYH11 (myosin heavy chain 11; minus strand), NDE1 (nudE neurodevelopment protein 1; plus strand). Cytogenetic location: 16p13.11.
Variant type: single nucleotide variant.
Coding change: c.4679A>G on transcript NM_002474.3 (MANE Select); coding-DNA position 4679, A replaced by G.
Protein change: p.Asp1560Gly; replaces aspartic acid 1560 with glycine.
Molecular consequence: missense variant. On other transcripts: intron variant (2).
Genome position (GRCh38, 1-based): chr16:15,720,951, T>C on the plus strand (A>G on the coding strand, the complement: MYH11 is on the minus strand). VCF-style: chr16-15720951-T-C. GRCh37 (hg19) VCF-style: chr16-15814808-T-C.
Other names: c.4700A>G, p.Asp1567Gly (NM_001040113.2, NM_001040114.2); c.4679A>G, p.Asp1560Gly (NM_022844.3); c.948-3240T>C (NM_001143979.2, NM_017668.3); short protein forms D1560G, D1567G.
Identifiers: ClinVar variation 2702267 (VCV002702267.3), dbSNP rs2506120799, ClinGen allele CA394854082.